The following is an entry in ClinVar:

ClinVar aggregate classification (germline): Likely pathogenic (1 of 4 stars; one submission).

Conditions:
Bifunctional peroxisomal enzyme deficiency (DBIF). Also called: DBP DEFICIENCY; PBFE DEFICIENCY; D-bifunctional protein deficiency. Identifiers: Orphanet 300, MedGen C0342870, MONDO:0009855, OMIM 261515. Disease mechanism: loss of function.

Submission:

Natera, Inc.
Classification: Likely pathogenic for Bifunctional peroxisomal enzyme deficiency. Last evaluated: 2024-02-25. Review status: criteria provided, single submitter. Criteria: Natera Variant Classification Schema (03/2026). Collection method: clinical testing. Allele origin: germline.
Comment: The c.701delG variant in HSD17B4 is a frameshift variant predicted to shift the reading frame beginning at codon 234 and leads to a stop codon 24 codons downstream. This variant is expected to result in nonsense mediated decay, truncation, or a dysfunctional protein product. This variant is rare in the general population with a frequency below the threshold expected for the associated phenotype(s). Given the available evidence, this variant is classified as Likely Pathogenic.

NM_000414.4(HSD17B4):c.701del (p.Gly234fs)

Gene: HSD17B4 (hydroxysteroid 17-beta dehydrogenase 4; plus strand). Cytogenetic location: 5q23.1.
Variant type: Deletion.
Coding change: c.701del on transcript NM_000414.4 (MANE Select); coding-DNA position 701, one base deleted (G; older notation c.701delG).
Protein change: p.Gly234fs; shifts the reading frame from glycine 234.
Molecular consequence: frameshift variant. On other transcripts: non-coding transcript variant (2).
Genome position (GRCh38, 1-based): chr5:119,489,270, G deleted; the last of 2 consecutive G bases (chr5:119,489,269-119,489,270); deleting either gives the same sequence. VCF-style (leftmost placement, unchanged base first): chr5-119489268-TG-T. GRCh37 (hg19) VCF-style: chr5-118824963-TG-T.
Other names: c.776del, p.Gly259fs (NM_001199291.3); c.647del, p.Gly216fs (NM_001199292.2); c.629del, p.Gly210fs (NM_001292027.2); c.281del, p.Gly94fs (NM_001292028.2); c.692del, p.Gly231fs (NM_001374497.1); c.701del, p.Gly234fs (NM_001374498.1); c.374del, p.Gly125fs (NM_001374499.1); c.260del, p.Gly87fs (NM_001374500.1); and 1 more; short protein forms G125fs, G210fs, G216fs, G231fs, G234fs, G259fs, G87fs, G94fs.
Identifiers: ClinVar variation 4818357 (VCV004818357.1).